The following is an entry in ClinVar:

ClinVar aggregate classification (germline): Likely pathogenic (1 of 4 stars; one submission).

Conditions:
Neurofibromatosis, familial spinal (FSNF). Identifiers: Orphanet 636, MedGen C1834235, MONDO:0008078, OMIM 162210. Disease mechanism: loss of function.
Neurofibromatosis-Noonan syndrome (NFNS). Also called: NEUROFIBROMATOSIS WITH NOONAN PHENOTYPE. Identifiers: Orphanet 638, MedGen C2931482, MONDO:0011035, OMIM 601321. Disease mechanism: loss of function.
Neurofibromatosis, type 1 (NF1). Also called: Neurofibromatosis, type I; VON RECKLINGHAUSEN DISEASE; NEUROFIBROMATOSIS, TYPE I, SOMATIC; Peripheral type neurofibromatosis. Identifiers: Orphanet 636, MedGen C0027831, MONDO:0018975, OMIM 162200. Disease mechanism: loss of function.
Café-au-lait macules with pulmonary stenosis (WTSN). Also called: PULMONIC STENOSIS WITH CAFE-AU-LAIT SPOTS. Identifiers: MedGen C0553586, MONDO:0008672, OMIM 193520.
Juvenile myelomonocytic leukemia (JMML). Also called: LEUKEMIA, JUVENILE MYELOMONOCYTIC, SOMATIC. Identifiers: Orphanet 86834, MedGen C0349639, MONDO:0011908, OMIM 607785, HP:0012209.

Submission:

Juno Genomics, Hangzhou Juno Genomics, Inc
Classification: Likely pathogenic for Neurofibromatosis, type 1; Juvenile myelomonocytic leukemia; Neurofibromatosis, familial spinal; Neurofibromatosis-Noonan syndrome; Café-au-lait macules with pulmonary stenosis. Review status: criteria provided, single submitter. Criteria: ACMG Guidelines, 2015. Collection method: clinical testing. Allele origin: germline. Affected: yes.
Comment: Absent from controls (or at extremely low frequency if recessive) in Genome Aggregation Database, Exome Sequencing Project, 1000 Genomes Project, or Exome Aggregation Consortium.;Null variant in a gene where loss of function (LOF) is a known mechanism of disease.

NM_001042492.3(NF1):c.4791del (p.Thr1598fs)

Gene: NF1 (neurofibromin 1; plus strand). Cytogenetic location: 17q11.2.
Variant type: Deletion.
Coding change: c.4791del on transcript NM_001042492.3 (MANE Select); coding-DNA position 4791, one base deleted (G; older notation c.4791delG).
Protein change: p.Thr1598fs; shifts the reading frame from threonine 1598.
Molecular consequence: frameshift variant.
Genome position (GRCh38, 1-based): chr17:31,265,295, G deleted; the last of 3 consecutive G bases (chr17:31,265,293-31,265,295); deleting any one gives the same sequence. VCF-style (leftmost placement, unchanged base first): chr17-31265292-TG-T. GRCh37 (hg19) VCF-style: chr17-29592310-TG-T.
Other names: c.4728delG, p.Thr1577Leufs (NM_000267.4); short protein forms T1577fs, T1598fs.
Identifiers: ClinVar variation 3382344 (VCV003382344.2).
Genomic context (GRCh38, chr17:31,265,292, plus strand): 5'-TCAGGTACATGAAAAAGAAGAATTCAAGGCTTTGAAAACGTTAAGTATTTTCTACCAAGC[TG>T]GGACTTCCAAAGCTGGGAATCCTATTTTTTATTATGTTGCACGGAGGTAAGAAATACTAT-3'